The following is an entry in ClinVar:

ClinVar aggregate classification (germline): Uncertain significance. Review status: criteria provided, multiple submitters, no conflicts (2 of 4 stars). 2 submissions from 2 submitters: Uncertain significance (2). Last evaluated 2024-09-25.

Conditions:
Hajdu-Cheney syndrome (HJCYS). Also called: SERPENTINE FIBULA-POLYCYSTIC KIDNEY SYNDROME; Acroosteolysis dominant type; ACROOSTEOLYSIS WITH OSTEOPOROSIS AND CHANGES IN SKULL AND MANDIBLE. Identifiers: Orphanet 955, MedGen C0917715, MONDO:0007057, OMIM 102500.
Alagille syndrome due to a NOTCH2 point mutation. Also called: Alagille syndrome 2. Identifiers: Orphanet 261629, Orphanet 52, MedGen C1857761, MONDO:0012439, OMIM 610205.

gnomAD v4.1: 2 of 1,614,198 alleles (0.00012%); highest among the groups gnomAD compares: Non-Finnish European, 0.00017%; no homozygotes.

Submissions (2):

Labcorp Genetics (formerly Invitae), Labcorp
Classification: Uncertain significance for Hajdu-Cheney syndrome. Last evaluated: 2024-09-25. Review status: criteria provided, single submitter. Criteria: Invitae Variant Classification Sherloc (09022015). Collection method: clinical testing. Allele origin: germline.
Comment: This sequence change replaces glutamic acid, which is acidic and polar, with lysine, which is basic and polar, at codon 898 of the NOTCH2 protein (p.Glu898Lys). This variant is not present in population databases (gnomAD no frequency). This variant has not been reported in the literature in individuals affected with NOTCH2-related conditions. Invitae Evidence Modeling of protein sequence and biophysical properties (such as structural, functional, and spatial information, amino acid conservation, physicochemical variation, residue mobility, and thermodynamic stability) indicates that this missense variant is not expected to disrupt NOTCH2 protein function with a negative predictive value of 80%. In summary, the available evidence is currently insufficient to determine the role of this variant in disease. Therefore, it has been classified as a Variant of Uncertain Significance.

Fulgent Genetics
Classification: Uncertain significance for Hajdu-Cheney syndrome; Alagille syndrome due to a NOTCH2 point mutation. Last evaluated: 2024-04-25. Review status: criteria provided, single submitter. Criteria: ACMG Guidelines, 2015. Collection method: clinical testing. Allele origin: germline.

NM_024408.4(NOTCH2):c.2692G>A (p.Glu898Lys)

Gene: NOTCH2 (notch receptor 2; minus strand). Cytogenetic location: 1p12.
Variant type: single nucleotide variant.
Coding change: c.2692G>A on transcript NM_024408.4 (MANE Select); coding-DNA position 2692, G replaced by A.
Protein change: p.Glu898Lys; replaces glutamic acid 898 with lysine.
Molecular consequence: missense variant.
Genome position (GRCh38, 1-based): chr1:119,948,474, C>T on the plus strand (G>A on the coding strand, the complement: NOTCH2 is on the minus strand). VCF-style: chr1-119948474-C-T. GRCh37 (hg19) VCF-style: chr1-120491097-C-T.
Other names: c.2692G>A, p.Glu898Lys (NM_001200001.2); short protein forms E898K.
Identifiers: ClinVar variation 3587779 (VCV003587779.3).
Genomic context (GRCh38, chr1:119,948,474, plus strand): 5'-TGGCAAGGCAGTCATCAATGTCCTCCTCACAGTCCATACCACTGAAGCCTGGTGGACATT[C>T]ACACATGTAGCTGCCCTGGGTGTTATGGCAGAGACCATGGTTCATGCAGGGCTTGGAGAT-3'
Protein context (NP_077719.2, residues 888-908): CHNTQGSYMC[Glu898Lys]CPPGFSGMDC